The following is an entry in ClinVar:

ClinVar aggregate classification (germline): Uncertain significance (1 of 4 stars; one submission).

Conditions:
Hypertrophic cardiomyopathy 26. Also called: Cardiomyopathy, familial hypertrophic, 26. Identifiers: Orphanet 75249, MedGen C4310749, MONDO:0014883, OMIM 617047.
Myofibrillar myopathy 5. Also called: Filaminopathy (type); FILAMINOPATHY, AUTOSOMAL DOMINANT. Identifiers: Orphanet 171445, MedGen C1836050, MONDO:0012289, OMIM 609524.
Distal myopathy with posterior leg and anterior hand involvement. Also called: WILLIAMS DISTAL MYOPATHY. Identifiers: Orphanet 63273, MedGen C3279722, MONDO:0013550, OMIM 614065.

Submission:

Labcorp Genetics (formerly Invitae), Labcorp
Classification: Uncertain significance for Distal myopathy with posterior leg and anterior hand involvement; Myofibrillar myopathy 5; Hypertrophic cardiomyopathy 26. Last evaluated: 2025-10-22. Review status: criteria provided, single submitter. Criteria: Invitae Variant Classification Sherloc (09022015). Collection method: clinical testing. Allele origin: germline.
Comment: This sequence change replaces serine, which is neutral and polar, with leucine, which is neutral and non-polar, at codon 1955 of the FLNC protein (p.Ser1955Leu). This variant is not present in population databases (gnomAD no frequency). This variant has not been reported in the literature in individuals affected with FLNC-related conditions. Invitae Evidence Modeling of protein sequence and biophysical properties (such as structural, functional, and spatial information, amino acid conservation, physicochemical variation, residue mobility, and thermodynamic stability) has been performed for this missense variant. However, the output from this modeling did not meet the statistical confidence thresholds required to predict the impact of this variant on FLNC protein function. In summary, the available evidence is currently insufficient to determine the role of this variant in disease. Therefore, it has been classified as a Variant of Uncertain Significance.

NM_001458.5(FLNC):c.5864C>T (p.Ser1955Leu)

Genes: FLNC-AS1 (FLNC antisense RNA 1; minus strand), FLNC (filamin C; plus strand). Cytogenetic location: 7q32.1.
Variant type: single nucleotide variant.
Coding change: c.5864C>T on transcript NM_001458.5 (MANE Select); coding-DNA position 5864, C replaced by T.
Protein change: p.Ser1955Leu; replaces serine 1955 with leucine.
Molecular consequence: missense variant.
Genome position (GRCh38, 1-based): chr7:128,852,612, C>T. VCF-style: chr7-128852612-C-T. GRCh37 (hg19) VCF-style: chr7-128492666-C-T.
Other names: c.5765C>T, p.Ser1922Leu (NM_001127487.2); short protein forms S1922L, S1955L.
Identifiers: ClinVar variation 4812430 (VCV004812430.1).